The following is an entry in ClinVar:

ClinVar aggregate classification (germline): Benign/Likely benign. Review status: criteria provided, multiple submitters, no conflicts (2 of 4 stars). 9 submissions from 9 submitters: Benign (4); Likely benign (4). 1 of the submissions does not count toward it. Last evaluated 2026-02-04.

Conditions:
Classic homocystinuria. Also called: Homocystinuria due to CBS deficiency; Cystathionine beta-synthase deficiency; CBS deficiency; Homocystinuria due to Cystathionine Beta-Synthase Deficiency; HOMOCYSTINURIA WITH OR WITHOUT RESPONSE TO PYRIDOXINE. Identifiers: Orphanet 394, MedGen C0751202, MONDO:0009352, OMIM 236200.
HYPERHOMOCYSTEINEMIA, THROMBOTIC, CBS-RELATED. Identifiers: MedGen C3150344, OMIM 236200.

Allele frequency attached by ClinVar (database versions not stated): gnomAD exomes 0.00049; ExAC 0.00064; gnomAD 0.00188; ESP Exome Variant Server 0.00200; 1000 Genomes Project 0.00319.

Submissions (9):

Labcorp Genetics (formerly Invitae), Labcorp
Classification: Benign for HYPERHOMOCYSTEINEMIA, THROMBOTIC, CBS-RELATED. Last evaluated: 2026-02-04. Review status: criteria provided, single submitter. Criteria: Invitae Variant Classification Sherloc (09022015). Collection method: clinical testing. Allele origin: germline.

Women's Health and Genetics/Laboratory Corporation of America, LabCorp
Classification: Likely benign. Last evaluated: 2025-04-21. Review status: criteria provided, single submitter. Criteria: LabCorp Variant Classification Summary - May 2015. Collection method: clinical testing. Allele origin: germline.

ARUP Laboratories, Molecular Genetics and Genomics, ARUP Laboratories
Classification: Benign. Last evaluated: 2025-01-06. Review status: criteria provided, single submitter. Criteria: ARUP Molecular Germline Variant Investigation Process 2024. Collection method: clinical testing. Allele origin: germline.

Mayo Clinic Laboratories, Mayo Clinic
Classification: Likely benign. Last evaluated: 2024-12-09. Review status: criteria provided, single submitter. Criteria: ACMG Guidelines, 2015. Collection method: clinical testing. Allele origin: germline. Observed: 3 variant alleles.
Comment: BS1, BP4, BP7

Blueprint Genetics
Classification: Likely benign. Last evaluated: 2024-10-24. Review status: criteria provided, single submitter. Criteria: ACMG Guidelines, 2015. Collection method: clinical testing. Allele origin: germline.

Illumina Laboratory Services, Illumina
Classification: Likely benign for Classic homocystinuria. Last evaluated: 2018-01-13. Review status: criteria provided, single submitter. Criteria: ICSL Variant Classification Criteria 13 December 2019. Collection method: clinical testing. Allele origin: germline.
Comment: This variant was observed in the ICSL laboratory as part of a predisposition screen in an ostensibly healthy population. It had not been previously curated by ICSL or reported in the Human Gene Mutation Database (HGMD: prior to June 1st, 2018), and was therefore a candidate for classification through an automated scoring system. Utilizing variant allele frequency, disease prevalence and penetrance estimates, and inheritance mode, an automated score was calculated to assess if this variant is too frequent to cause the disease. Based on the score and internal cut-off values, a variant classified as likely benign is not then subjected to further curation. The score for this variant resulted in a classification of likely benign for this disease.

Eurofins Ntd Llc (ga)
Classification: Benign. Last evaluated: 2015-02-13. Review status: criteria provided, single submitter. Criteria: EGL Classification Definitions 2015. Collection method: clinical testing. Allele origin: germline. Observed: 1 variant allele, 1 heterozygote.

GeneDx
Classification: Benign. Last evaluated: 2013-07-17. Review status: criteria provided, single submitter. Criteria: GeneDx Variant Classification (06012015). Collection method: clinical testing. Allele origin: germline. Affected: yes.
Comment: This variant is considered likely benign or benign based on one or more of the following criteria: it is a conservative change, it occurs at a poorly conserved position in the protein, it is predicted to be benign by multiple in silico algorithms, and/or has population frequency not consistent with disease.

Natera, Inc.
Classification: Likely benign for Homocystinuria due to cystathionine beta-synthase deficiency. Last evaluated: 2019-10-22. Review status: no assertion criteria provided. Collection method: clinical testing. Allele origin: germline. Not counted in ClinVar's aggregate classification.

NM_000071.3(CBS):c.954+8G>A

Gene: CBS (cystathionine beta-synthase; minus strand). Cytogenetic location: 21q22.3.
Variant type: single nucleotide variant.
Coding change: c.954+8G>A on transcript NM_000071.3 (MANE Select); 8 bases into the intron after coding-DNA position 954, G replaced by A.
Molecular consequence: intron variant.
Genome position (GRCh38, 1-based): chr21:43,062,945, C>T on the plus strand (G>A on the coding strand, the complement: CBS is on the minus strand). VCF-style: chr21-43062945-C-T. GRCh37 (hg19) VCF-style: chr21-44483055-C-T.
Other names: p.?; c.954+8G>A (NM_001320298.2, NM_001178009.3, NM_001178008.3); c.639+8G>A (NM_001321072.1).
Identifiers: ClinVar variation 136672 (VCV000136672.35), dbSNP rs76292057, ClinGen allele CA302711.